The following is an entry in ClinVar:

ClinVar aggregate classification (germline): Uncertain significance. Review status: criteria provided, multiple submitters, no conflicts (2 of 4 stars). 2 submissions from 2 submitters: Uncertain significance (2). Last evaluated 2025-07-28.

Conditions:
Hereditary cancer-predisposing syndrome. Also called: Neoplastic Syndromes, Hereditary; Tumor predisposition; Hereditary Cancer Syndrome; Hereditary neoplastic syndrome. Identifiers: Orphanet 140162, MedGen C0027672, MeSH D009386, MONDO:0015356.

Submissions (2):

Quest Diagnostics Nichols Institute San Juan Capistrano
Classification: Uncertain significance. Last evaluated: 2025-07-28. Review status: criteria provided, single submitter. Criteria: Quest Diagnostics criteria. Collection method: clinical testing. Allele origin: unknown.
Comment: The NBN c.848C>G (p.Pro283Arg) variant has not been reported in individuals with NBN-related conditions in the published literature. This variant has not been reported in large, multi-ethnic general populations (Genome Aggregation Database). Analysis of this variant using bioinformatics tools for the prediction of the effect of amino acid changes on protein structure and function yielded conflicting predictions that this variant is benign or damaging. Based on the available information, we are unable to determine the clinical significance of this variant.

Ambry Genetics
Classification: Uncertain significance for Hereditary cancer-predisposing syndrome. Last evaluated: 2025-01-09. Review status: criteria provided, single submitter. Criteria: Ambry Variant Classification Scheme 2023. Collection method: clinical testing. Allele origin: germline.
Comment: The p.P283R variant (also known as c.848C>G), located in coding exon 7 of the NBN gene, results from a C to G substitution at nucleotide position 848. The proline at codon 283 is replaced by arginine, an amino acid with dissimilar properties. This amino acid position is conserved. In addition, this alteration is predicted to be tolerated by in silico analysis. Since supporting evidence is limited at this time, the clinical significance of this alteration remains unclear.

NM_002485.5(NBN):c.848C>G (p.Pro283Arg)

Gene: NBN (nibrin; minus strand). Cytogenetic location: 8q21.3.
Variant type: single nucleotide variant.
Coding change: c.848C>G on transcript NM_002485.5 (MANE Select); coding-DNA position 848, C replaced by G.
Protein change: p.Pro283Arg; replaces proline 283 with arginine.
Molecular consequence: missense variant.
Genome position (GRCh38, 1-based): chr8:89,970,412, G>C on the plus strand (C>G on the coding strand, the complement: NBN is on the minus strand). VCF-style: chr8-89970412-G-C. GRCh37 (hg19) VCF-style: chr8-90982640-G-C.
Other names: c.602C>G, p.Pro201Arg (NM_001024688.3); short protein forms P201R, P283R.
Identifiers: ClinVar variation 1763564 (VCV001763564.4), dbSNP rs1554563853, ClinGen allele CA371658427.